The following is an entry in ClinVar:

NM_000275.3(OCA2):c.979G>A (p.Val327Ile)

Gene: OCA2 (OCA2 melanosomal transmembrane protein; minus strand). Cytogenetic location: 15q13.1.
Variant type: single nucleotide variant.
Coding change: c.979G>A on transcript NM_000275.3 (MANE Select); coding-DNA position 979, G replaced by A.
Protein change: p.Val327Ile; replaces valine 327 with isoleucine.
Molecular consequence: missense variant.
Genome position (GRCh38, 1-based): chr15:28,014,841, C>T on the plus strand (G>A on the coding strand, the complement: OCA2 is on the minus strand). VCF-style: chr15-28014841-C-T. GRCh37 (hg19) VCF-style: chr15-28259987-C-T.
Other names: c.979G>A, p.Val327Ile (NM_001300984.2); short protein forms V327I.
Identifiers: ClinVar variation 1907838 (VCV001907838.4), dbSNP rs749321625, ClinGen allele CA7439275.
Genomic context (GRCh38, chr15:28,014,841, plus strand): 5'-ATATGATCAGCGCGTAGACGCCCGCGAGGATGGCCGTCGCGATGGTCACCTGGGTTTCTA[C>T]ACTTCCGCGGAGGTACTGATGAGCCATCAAAAGAGGGACAGCCTGGGTCTGCTGCAGGGA-3'
Protein context (NP_000266.2, residues 317-337): LMAHQYLRGS[Val327Ile]ETQVTIATAI

ClinVar aggregate classification (germline): Conflicting classifications of pathogenicity. Review status: criteria provided, conflicting classifications (1 of 4 stars). 2 submissions from 2 submitters: Uncertain significance (1); Likely benign (1). Last evaluated 2025-07-14.

Conditions:
Inborn genetic diseases. Identifiers: MedGen C0950123, MeSH D030342.

gnomAD v4.1: 5 of 1,614,138 alleles (0.00031%); highest among the groups gnomAD compares: Admixed American, 0.0017%; no homozygotes.

Submissions (2):

Labcorp Genetics (formerly Invitae), Labcorp
Classification: Uncertain significance. Last evaluated: 2025-07-14. Review status: criteria provided, single submitter. Criteria: Invitae Variant Classification Sherloc (09022015). Collection method: clinical testing. Allele origin: germline.
Comment: This sequence change replaces valine, which is neutral and non-polar, with isoleucine, which is neutral and non-polar, at codon 327 of the OCA2 protein (p.Val327Ile). This variant is present in population databases (rs749321625, gnomAD 0.003%). This variant has not been reported in the literature in individuals affected with OCA2-related conditions. ClinVar contains an entry for this variant (Variation ID: 1907838). Invitae Evidence Modeling of protein sequence and biophysical properties (such as structural, functional, and spatial information, amino acid conservation, physicochemical variation, residue mobility, and thermodynamic stability) indicates that this missense variant is not expected to disrupt OCA2 protein function with a negative predictive value of 80%. In summary, the available evidence is currently insufficient to determine the role of this variant in disease. Therefore, it has been classified as a Variant of Uncertain Significance.

Ambry Genetics
Classification: Likely benign for Inborn genetic diseases. Last evaluated: 2021-12-03. Review status: criteria provided, single submitter. Criteria: Ambry Variant Classification Scheme 2023. Collection method: clinical testing. Allele origin: germline.